The following is an entry in ClinVar:

NM_015512.5(DNAH1):c.5172T>G (p.Phe1724Leu)

Gene: DNAH1 (dynein axonemal heavy chain 1; plus strand). Cytogenetic location: 3p21.1.
Variant type: single nucleotide variant.
Coding change: c.5172T>G on transcript NM_015512.5 (MANE Select); coding-DNA position 5172, T replaced by G.
Protein change: p.Phe1724Leu; replaces phenylalanine 1724 with leucine.
Molecular consequence: missense variant.
Genome position (GRCh38, 1-based): chr3:52,363,072, T>G. VCF-style: chr3-52363072-T-G. GRCh37 (hg19) VCF-style: chr3-52397088-T-G.
Other names: short protein forms F1724L.
Identifiers: ClinVar variation 2923512 (VCV002923512.2), dbSNP rs918760091, ClinGen allele CA74752298.

ClinVar aggregate classification (germline): Uncertain significance (1 of 4 stars; one submission).

Conditions:
Spermatogenic failure 18. Identifiers: MedGen C4539783, MONDO:0054615, OMIM 617576.
Ciliary dyskinesia, primary, 37 (CILD37). Also called: CILIARY DYSKINESIA, PRIMARY, 37, WITH OR WITHOUT SITUS INVERSUS. Identifiers: MedGen C4539798, MONDO:0033204, OMIM 617577.

Allele frequency attached by ClinVar (database versions not stated): gnomAD exomes below 0.00001; gnomAD 0.00002; TOPMed 0.00002.
gnomAD v4.1: 6 of 1,613,880 alleles (0.00037%); highest among the groups gnomAD compares: Non-Finnish European, 0.00051%; no homozygotes.

Submission:

Labcorp Genetics (formerly Invitae), Labcorp
Classification: Uncertain significance for Ciliary dyskinesia, primary, 37; Spermatogenic failure 18. Last evaluated: 2023-09-22. Review status: criteria provided, single submitter. Criteria: Invitae Variant Classification Sherloc (09022015). Collection method: clinical testing. Allele origin: germline.
Comment: In summary, the available evidence is currently insufficient to determine the role of this variant in disease. Therefore, it has been classified as a Variant of Uncertain Significance. Advanced modeling of protein sequence and biophysical properties (such as structural, functional, and spatial information, amino acid conservation, physicochemical variation, residue mobility, and thermodynamic stability) performed at Invitae indicates that this missense variant is not expected to disrupt DNAH1 protein function. This variant has not been reported in the literature in individuals affected with DNAH1-related conditions. This variant is present in population databases (no rsID available, gnomAD 0.007%). This sequence change replaces phenylalanine, which is neutral and non-polar, with leucine, which is neutral and non-polar, at codon 1724 of the DNAH1 protein (p.Phe1724Leu).